The following is an entry in ClinVar:

NM_148919.4(PSMB8):c.625G>A (p.Gly209Arg)

Gene: PSMB8 (proteasome 20S subunit beta 8; minus strand). Cytogenetic location: 6p21.32.
Variant type: single nucleotide variant.
Coding change: c.625G>A on transcript NM_148919.4 (MANE Select); coding-DNA position 625, G replaced by A.
Protein change: p.Gly209Arg; replaces glycine 209 with arginine.
Molecular consequence: missense variant.
Genome position (GRCh38, 1-based): chr6:32,841,648, C>T on the plus strand (G>A on the coding strand, the complement: PSMB8 is on the minus strand). VCF-style: chr6-32841648-C-T. GRCh37 (hg19) VCF-style: chr6-32809425-C-T.
Other names: c.613G>A, p.Gly205Arg (NM_004159.5); short protein forms G205R, G209R.
Identifiers: ClinVar variation 857767 (VCV000857767.11), dbSNP rs1202502842, ClinGen allele CA363588564.

ClinVar aggregate classification (germline): Uncertain significance. Review status: criteria provided, multiple submitters, no conflicts (2 of 4 stars). 4 submissions from 4 submitters: Uncertain significance (2). 2 of the submissions do not count toward it. Last evaluated 2022-09-19.

Conditions:
Proteasome-associated autoinflammatory syndrome 1 (PRAAS1). Also called: JOINT CONTRACTURES, MUSCULAR ATROPHY, MICROCYTIC ANEMIA, AND PANNICULITIS-INDUCED LIPODYSTROPHY; JMP SYNDROME; AUTOINFLAMMATION, LIPODYSTROPHY, AND DERMATOSIS SYNDROME; NAKAJO-NISHIMURA SYNDROME; CHRONIC ATYPICAL NEUTROPHILIC DERMATOSIS WITH LIPODYSTROPHY AND ELEVATED TEMPERATURE SYNDROME; Nakajo syndrome. Identifiers: Orphanet 2615, Orphanet 324977, Orphanet 324999, Orphanet 325004, MedGen C4746851, MONDO:0054698, OMIM 256040.

Submissions (4):

Labcorp Genetics (formerly Invitae), Labcorp
Classification: Uncertain significance for Proteosome-associated autoinflammatory syndrome. Last evaluated: 2022-09-19. Review status: criteria provided, single submitter. Criteria: Invitae Variant Classification Sherloc (09022015). Collection method: clinical testing. Allele origin: germline.
Comment: This sequence change replaces glycine, which is neutral and non-polar, with arginine, which is basic and polar, at codon 209 of the PSMB8 protein (p.Gly209Arg). This variant is not present in population databases (gnomAD no frequency). This variant has not been reported in the literature in individuals affected with PSMB8-related conditions. ClinVar contains an entry for this variant (Variation ID: 857767). Advanced modeling of protein sequence and biophysical properties (such as structural, functional, and spatial information, amino acid conservation, physicochemical variation, residue mobility, and thermodynamic stability) performed at Invitae indicates that this missense variant is expected to disrupt PSMB8 protein function. Algorithms developed to predict the effect of sequence changes on RNA splicing suggest that this variant may create or strengthen a splice site. In summary, the available evidence is currently insufficient to determine the role of this variant in disease. Therefore, it has been classified as a Variant of Uncertain Significance.

Revvity Omics, Revvity
Classification: Uncertain significance for Proteasome-associated autoinflammatory syndrome 1. Last evaluated: 2020-07-27. Review status: criteria provided, single submitter. Criteria: ACMG Guidelines, 2015. Collection method: clinical testing. Allele origin: germline.

Clinical Genetics DNA and cytogenetics Diagnostics Lab, Erasmus MC, Erasmus Medical Center
Classification: Uncertain significance. Review status: no assertion criteria provided. Collection method: clinical testing. Allele origin: germline. Affected: yes. Study: VKGL Data-share Consensus. Not counted in ClinVar's aggregate classification.

Laboratory of Diagnostic Genome Analysis, Leiden University Medical Center (LUMC)
Classification: Uncertain significance. Review status: no assertion criteria provided. Collection method: clinical testing. Allele origin: germline. Affected: yes. Study: VKGL Data-share Consensus. Not counted in ClinVar's aggregate classification.